The following is an entry in ClinVar:

Conditions:
Long QT syndrome 5 (LQT5). Identifiers: Orphanet 101016, Orphanet 768, MedGen C1867904, MONDO:0013372, OMIM 613695.

Submission:

Roden Lab, Vanderbilt University Medical Center
No classification provided (evidence only). Condition: Long QT syndrome 5. Review status: no classification provided. Collection method: in vitro. Allele origin: not applicable. Functional consequence: Effect on ion channel function.
ClinVar note: "not provided" was previously submitted as the classification for the variant. However, the classification appeared to be based only on an observation of functional data so it was converted to no classification on 2025-07-30.

NM_000219.6(KCNE1):c.363C>G (p.His121Gln)

Gene: KCNE1 (potassium voltage-gated channel subfamily E regulatory subunit 1; minus strand). Cytogenetic location: 21q22.12.
Variant type: single nucleotide variant.
Coding change: c.363C>G on transcript NM_000219.6 (MANE Select); coding-DNA position 363, C replaced by G.
Protein change: p.His121Gln; replaces histidine 121 with glutamine.
Molecular consequence: missense variant.
Genome position (GRCh38, 1-based): chr21:34,449,272, G>C on the plus strand (C>G on the coding strand, the complement: KCNE1 is on the minus strand). VCF-style: chr21-34449272-G-C. GRCh37 (hg19) VCF-style: chr21-35821570-G-C.
Other names: c.363C>G, p.His121Gln (NM_001127668.4, NM_001127669.4, NM_001127670.4 and 4 more transcripts); short protein forms H121Q.
Identifiers: ClinVar variation 3373820 (VCV003373820.2).
Genomic context (GRCh38, chr21:34,449,272, plus strand): 5'-CAGGATGTGTCCAGTTTTAGCCAGTGGTGGGGTTCATGGGGAAGGCTTCGTCTCAGGAAG[G>C]TGTGTGTTGGGTTGTTCTATGGCCAGATGGTTTTCAACGACATAGCACGACCTGTAGCTC-3'
Protein context (NP_000210.2, residues 111-129): NHLAIEQPNT[His121Gln]LPETKPSP